The following is an entry in ClinVar:

NM_001904.4(CTNNB1):c.338A>G (p.Gln113Arg)

Genes: CTNNB1 (catenin beta 1; plus strand), LOC126806658 (BRD4-independent group 4 enhancer GRCh37_chr3:41265899-41267098; plus strand). Cytogenetic location: 3p22.1.
Variant type: single nucleotide variant.
Coding change: c.338A>G on transcript NM_001904.4 (MANE Select); coding-DNA position 338, A replaced by G.
Protein change: p.Gln113Arg; replaces glutamine 113 with arginine.
Molecular consequence: missense variant.
Genome position (GRCh38, 1-based): chr3:41,225,050, A>G. VCF-style: chr3-41225050-A-G. GRCh37 (hg19) VCF-style: chr3-41266541-A-G.
Other names: c.338A>G (NM_001904.3); c.338A>G, p.Gln113Arg (NM_001098209.2, NM_001098210.2); c.317A>G, p.Gln106Arg (NM_001330729.2); short protein forms Q106R, Q113R.
Identifiers: ClinVar variation 1961766 (VCV001961766.6), dbSNP rs2078142229, ClinGen allele CA352229070.
Genomic context (GRCh38, chr3:41,225,050, plus strand): 5'-GGGTACGAGCTGCTATGTTCCCTGAGACATTAGATGAGGGCATGCAGATCCCATCTACAC[A>G]GTTTGATGCTGCTCATCCCACTAATGTCCAGCGTTTGGCTGAACCATCACAGATGCTGAA-3'
Protein context (NP_001895.1, residues 103-123): LDEGMQIPST[Gln113Arg]FDAAHPTNVQ

ClinVar aggregate classification (germline): Uncertain significance. Review status: criteria provided, multiple submitters, no conflicts (2 of 4 stars). 2 submissions from 2 submitters: Uncertain significance (2). Last evaluated 2024-10-04.

Allele frequency attached by ClinVar (database versions not stated): TOPMed below 0.00001; gnomAD 0.00001.
gnomAD v4.1: 1 of 1,613,986 alleles (0.000062%); highest among the groups gnomAD compares: African/African-American, 0.0013%; no homozygotes.

Submissions (2):

GeneDx
Classification: Uncertain significance. Last evaluated: 2024-10-04. Review status: criteria provided, single submitter. Criteria: GeneDx Variant Classification Process June 2021. Collection method: clinical testing. Allele origin: germline. Affected: yes.
Comment: Not observed at significant frequency in large population cohorts (gnomAD); In silico analysis supports that this missense variant has a deleterious effect on protein structure/function; Has not been previously published as pathogenic or benign to our knowledge

Labcorp Genetics (formerly Invitae), Labcorp
Classification: Uncertain significance. Last evaluated: 2022-07-15. Review status: criteria provided, single submitter. Criteria: Invitae Variant Classification Sherloc (09022015). Collection method: clinical testing. Allele origin: germline.
Comment: This variant has not been reported in the literature in individuals affected with CTNNB1-related conditions. This variant is not present in population databases (gnomAD no frequency). This sequence change replaces glutamine, which is neutral and polar, with arginine, which is basic and polar, at codon 113 of the CTNNB1 protein (p.Gln113Arg). In summary, the available evidence is currently insufficient to determine the role of this variant in disease. Therefore, it has been classified as a Variant of Uncertain Significance. Algorithms developed to predict the effect of missense changes on protein structure and function are either unavailable or do not agree on the potential impact of this missense change (SIFT: "Tolerated"; PolyPhen-2: "Possibly Damaging"; Align-GVGD: "Class C0").